The following is an entry in ClinVar:

ClinVar aggregate classification (germline): Pathogenic (1 of 4 stars; one submission).

Conditions:
Norman-Roberts syndrome (LIS2). Also called: Lissencephaly 2 (Norman-Roberts type). Identifiers: Orphanet 89844, MedGen C0796089, MONDO:0009760, OMIM 257320.
Familial temporal lobe epilepsy 7. Identifiers: Orphanet 101046, MedGen C4225327, MONDO:0014639, OMIM 616436.

Submission:

Labcorp Genetics (formerly Invitae), Labcorp
Classification: Pathogenic for Familial temporal lobe epilepsy 7; Norman-Roberts syndrome. Last evaluated: 2019-09-20. Review status: criteria provided, single submitter. Criteria: Invitae Variant Classification Sherloc (09022015). Collection method: clinical testing. Allele origin: germline.
Comment: This sequence change creates a premature translational stop signal (p.Leu2068Metfs*56) in the RELN gene. It is expected to result in an absent or disrupted protein product. This variant is not present in population databases (ExAC no frequency). This variant has not been reported in the literature in individuals with RELN-related conditions. Loss-of-function variants in RELN are known to be pathogenic (PMID: 10973257, 26046367, 28454995). For these reasons, this variant has been classified as Pathogenic.

Literature cited by the submitters: PubMed 10973257; PubMed 26046367; PubMed 28454995.

NM_005045.4(RELN):c.6202_6203del (p.Leu2068fs)

Gene: RELN (reelin; minus strand). Cytogenetic location: 7q22.1.
Variant type: Deletion.
Coding change: c.6202_6203del on transcript NM_005045.4 (MANE Select); coding-DNA positions 6202 to 6203, 2 bases deleted (TT; older notation c.6202_6203delTT).
Protein change: p.Leu2068fs; shifts the reading frame from leucine 2068.
Molecular consequence: frameshift variant.
Genome position (GRCh38, 1-based): chr7:103,551,166-103,551,167, AA deleted on the plus strand (TT on the coding strand, the reverse complement: RELN is on the minus strand); deleting any 2 consecutive bases within chr7:103,551,166-103,551,168 gives the same sequence; the c. name uses the placement nearest the transcript's 3' end. VCF-style (leftmost placement, unchanged base first): chr7-103551165-TAA-T. GRCh37 (hg19) VCF-style: chr7-103191612-TAA-T.
Other names: c.6202_6203del, p.Leu2068fs (NM_173054.3); short protein forms L2068fs.
Identifiers: ClinVar variation 955573 (VCV000955573.7), dbSNP rs1830401647, ClinGen allele CA1139660154.